The following is an entry in ClinVar:

ClinVar aggregate classification (germline): Pathogenic (1 of 4 stars; one submission).

Conditions:
Hereditary spastic paraplegia 4. Also called: Familial spastic paraplegia autosomal dominant 2; Spastic paraplegia 4, autosomal dominant; Spastic Paraplegia 4. Identifiers: Orphanet 100985, MedGen C1866855, MONDO:0008438, OMIM 182601.

Submission:

Labcorp Genetics (formerly Invitae), Labcorp
Classification: Pathogenic for Hereditary spastic paraplegia 4. Last evaluated: 2023-11-14. Review status: criteria provided, single submitter. Criteria: Invitae Variant Classification Sherloc (09022015). Collection method: clinical testing. Allele origin: germline.
Comment: This sequence change creates a premature translational stop signal (p.Lys138Argfs*24) in the SPAST gene. It is expected to result in an absent or disrupted protein product. Loss-of-function variants in SPAST are known to be pathogenic (PMID: 20932283). This variant is not present in population databases (gnomAD no frequency). This variant has not been reported in the literature in individuals affected with SPAST-related conditions. For these reasons, this variant has been classified as Pathogenic.

Literature cited by the submitters: PubMed 20932283.

NM_014946.4(SPAST):c.411_412dup (p.Lys138fs)

Gene: SPAST (spastin; plus strand). Cytogenetic location: 2p22.3.
Variant type: Microsatellite.
Coding change: c.411_412dup on transcript NM_014946.4 (MANE Select); coding-DNA positions 411 to 412, 2 bases duplicated (GA; older notation c.411_412dupGA).
Protein change: p.Lys138fs; shifts the reading frame from lysine 138.
Molecular consequence: frameshift variant.
Genome position (GRCh38, 1-based): chr2:32,064,242-32,064,243, GA duplicated; duplicating any 2 consecutive bases within chr2:32,064,240-32,064,243 gives the same sequence; the c. name uses the placement nearest the transcript's 3' end. VCF-style (leftmost placement, unchanged base first): chr2-32064239-T-TGA. GRCh37 (hg19) VCF-style: chr2-32289308-T-TGA.
Other names: c.411_412dup, p.Lys138fs (NM_001363823.2, NM_001363875.2, NM_001377959.1 and 1 more transcripts); short protein forms K138fs.
Identifiers: ClinVar variation 2761415 (VCV002761415.3), dbSNP rs2465683100, ClinGen allele CA2697547980.